The following is an entry in ClinVar:

ClinVar aggregate classification (germline): Benign/Likely benign. Review status: criteria provided, multiple submitters, no conflicts (2 of 4 stars). 3 submissions from 3 submitters: Benign (1); Likely benign (2). Last evaluated 2025-01-08.

Conditions:
Hereditary nonpolyposis colorectal neoplasms. Identifiers: MedGen C0009405, MeSH D003123.
Lynch syndrome 5 (LYNCH5). Also called: Colorectal cancer, hereditary nonpolyposis, type 5; Hereditary non-polyposis colorectal cancer, type 5. Identifiers: Orphanet 144, MedGen C1833477, MONDO:0013710, OMIM 614350. Disease mechanism: loss of function.
Hereditary cancer-predisposing syndrome. Also called: Tumor predisposition; Neoplastic Syndromes, Hereditary; Hereditary neoplastic syndrome; Hereditary Cancer Syndrome. Identifiers: Orphanet 140162, MedGen C0027672, MeSH D009386, MONDO:0015356.

Submissions (3):

Myriad Genetics, Inc.
Classification: Benign for Lynch syndrome 5. Last evaluated: 2025-01-08. Review status: criteria provided, single submitter. Criteria: Myriad Autosomal Dominant, Autosomal Recessive and X-Linked Classification Criteria (2023). Collection method: clinical testing. Allele origin: unknown.
Comment: This variant is considered benign. This variant is a silent/synonymous amino acid change and it is not expected to impact splicing.

Labcorp Genetics (formerly Invitae), Labcorp
Classification: Likely benign for Hereditary nonpolyposis colorectal neoplasms. Last evaluated: 2024-12-17. Review status: criteria provided, single submitter. Criteria: Invitae Variant Classification Sherloc (09022015). Collection method: clinical testing. Allele origin: germline.

Ambry Genetics
Classification: Likely benign for Hereditary cancer-predisposing syndrome. Last evaluated: 2017-10-24. Review status: criteria provided, single submitter. Criteria: Ambry Variant Classification Scheme 2023. Collection method: clinical testing. Allele origin: germline.

NM_000179.3(MSH6):c.3798T>C (p.His1266=)

Gene: MSH6 (mutS homolog 6; plus strand). Cytogenetic location: 2p16.3.
Variant type: single nucleotide variant.
Coding change: c.3798T>C on transcript NM_000179.3 (MANE Select); coding-DNA position 3798, T replaced by C.
Protein change: p.His1266=; no amino-acid change (histidine 1266 retained).
Molecular consequence: synonymous variant.
Genome position (GRCh38, 1-based): chr2:47,806,355, T>C. VCF-style: chr2-47806355-T-C. GRCh37 (hg19) VCF-style: chr2-48033494-T-C.
Other names: c.3408T>C, p.His1136= (NM_001281492.2); c.2892T>C, p.His964= (NM_001281493.2, NM_001281494.2).
Identifiers: ClinVar variation 416183 (VCV000416183.19), dbSNP rs1060504761, ClinGen allele CA16611174.